The following is an entry in ClinVar:

NM_001330.5(CTF1):c.345_346dup (p.Pro116fs)

Genes: CTF1 (cardiotrophin 1; plus strand), LOC130058878 (ATAC-STARR-seq lymphoblastoid silent region 7400; plus strand). Cytogenetic location: 16p11.2.
Variant type: Microsatellite.
Coding change: c.345_346dup on transcript NM_001330.5 (MANE Select); coding-DNA positions 345 to 346, 2 bases duplicated (GC; older notation c.345_346dupGC).
Protein change: p.Pro116fs; shifts the reading frame from proline 116.
Molecular consequence: frameshift variant. On other transcripts: non-coding transcript variant (1).
Genome position (GRCh38, 1-based): chr16:30,902,278-30,902,279, GC duplicated; duplicating any 2 consecutive bases within chr16:30,902,271-30,902,279 gives the same sequence; the c. name uses the placement nearest the transcript's 3' end. VCF-style (leftmost placement, unchanged base first): chr16-30902270-C-CCG. GRCh37 (hg19) VCF-style: chr16-30913591-C-CCG.
Other names: c.342_343dup, p.Pro115fs (NM_001142544.3); short protein forms P115fs, P116fs.
Identifiers: ClinVar variation 478118 (VCV000478118.8), dbSNP rs1167643962, ClinGen allele CA658658465.

ClinVar aggregate classification (germline): Uncertain significance (1 of 4 stars; one submission).

Submission:

Labcorp Genetics (formerly Invitae), Labcorp
Classification: Uncertain significance. Last evaluated: 2023-01-14. Review status: criteria provided, single submitter. Criteria: Invitae Variant Classification Sherloc (09022015). Collection method: clinical testing. Allele origin: germline.
Comment: In summary, the available evidence is currently insufficient to determine the role of this variant in disease. Therefore, it has been classified as a Variant of Uncertain Significance. This variant has not been reported in the literature in individuals affected with CTF1-related conditions. The frequency data for this variant in the population databases is considered unreliable, as metrics indicate insufficient coverage at this position in the gnomAD database. This sequence change creates a premature translational stop signal (p.Pro116Argfs*71) in the CTF1 gene. It is expected to result in an absent or disrupted protein product. However, the current clinical and genetic evidence is not sufficient to establish whether loss-of-function variants in CTF1 cause disease.